The following is an entry in ClinVar:

ClinVar aggregate classification (germline): Uncertain significance (1 of 4 stars; one submission).

Submission:

GeneDx
Classification: Uncertain significance. Last evaluated: 2023-05-22. Review status: criteria provided, single submitter. Criteria: GeneDx Variant Classification Process June 2021. Collection method: clinical testing. Allele origin: germline. Affected: yes.
Comment: Has not been previously published as pathogenic or benign to our knowledge; Not observed at significant frequency in large population cohorts (gnomAD); In silico analysis supports that this missense variant has a deleterious effect on protein structure/function

NM_001365276.2(TNXB):c.8105G>C (p.Gly2702Ala)

Gene: TNXB (tenascin XB; minus strand). Cytogenetic location: 6p21.33.
Variant type: single nucleotide variant.
Coding change: c.8105G>C on transcript NM_001365276.2 (MANE Select); coding-DNA position 8105, G replaced by C.
Protein change: p.Gly2702Ala; replaces glycine 2702 with alanine.
Molecular consequence: missense variant.
Genome position (GRCh38, 1-based): chr6:32,056,624, C>G on the plus strand (G>C on the coding strand, the complement: TNXB is on the minus strand). VCF-style: chr6-32056624-C-G. GRCh37 (hg19) VCF-style: chr6-32024401-C-G.
Other names: c.8846G>C, p.Gly2949Ala (NM_001428335.1); c.8105G>C, p.Gly2702Ala (NM_019105.8); short protein forms G2702A, G2949A.
Identifiers: ClinVar variation 3343797 (VCV003343797.1).